The following is an entry in ClinVar:

ClinVar aggregate classification (germline): Uncertain significance (1 of 4 stars; one submission).

Allele frequency attached by ClinVar (database versions not stated): TOPMed below 0.00001; gnomAD exomes 0.00001.
gnomAD v4.1: 4 of 1,604,344 alleles (0.00025%); highest among the groups gnomAD compares: Non-Finnish European, 0.00034%; no homozygotes.

Submission:

Labcorp Genetics (formerly Invitae), Labcorp
Classification: Uncertain significance. Last evaluated: 2025-10-26. Review status: criteria provided, single submitter. Criteria: Invitae Variant Classification Sherloc (09022015). Collection method: clinical testing. Allele origin: germline.
Comment: This sequence change replaces glutamine, which is neutral and polar, with histidine, which is basic and polar, at codon 141 of the FAR1 protein (p.Gln141His). This variant is present in population databases (no rsID available, gnomAD 0.002%). This variant has not been reported in the literature in individuals affected with FAR1-related conditions. ClinVar contains an entry for this variant (Variation ID: 1495859). Invitae Evidence Modeling of protein sequence and biophysical properties (such as structural, functional, and spatial information, amino acid conservation, physicochemical variation, residue mobility, and thermodynamic stability) indicates that this missense variant is not expected to disrupt FAR1 protein function with a negative predictive value of 80%. In summary, the available evidence is currently insufficient to determine the role of this variant in disease. Therefore, it has been classified as a Variant of Uncertain Significance.

NM_032228.6(FAR1):c.423A>T (p.Gln141His)

Gene: FAR1 (fatty acyl-CoA reductase 1; plus strand). Cytogenetic location: 11p15.3.
Variant type: single nucleotide variant.
Coding change: c.423A>T on transcript NM_032228.6 (MANE Select); coding-DNA position 423, A replaced by T.
Protein change: p.Gln141His; replaces glutamine 141 with histidine.
Molecular consequence: missense variant.
Genome position (GRCh38, 1-based): chr11:13,707,957, A>T. VCF-style: chr11-13707957-A-T. GRCh37 (hg19) VCF-style: chr11-13729504-A-T.
Other names: short protein forms Q141H.
Identifiers: ClinVar variation 1495859 (VCV001495859.8), dbSNP rs1393188494, ClinGen allele CA379856704.